The following is an entry in ClinVar:

ClinVar aggregate classification (germline): Uncertain significance (1 of 4 stars; one submission).

Conditions:
NPC2-related disorder. Also called: NPC2-related condition.

Submission:

PreventionGenetics, part of Exact Sciences
Classification: Uncertain significance for NPC2-related condition. Last evaluated: 2024-10-18. Review status: criteria provided, single submitter. Criteria: ACMG Guidelines, 2015. Collection method: clinical testing. Allele origin: germline.
Comment: The NPC2 c.28C>G variant is predicted to result in the amino acid substitution p.Leu10Val. To our knowledge, this variant has not been reported in the literature or in a large population database (gnomAD), indicating this variant is rare. At this time, the clinical significance of this variant is uncertain due to the absence of conclusive functional and genetic evidence.

NM_006432.5(NPC2):c.28C>G (p.Leu10Val)

Gene: NPC2 (NPC intracellular cholesterol transporter 2; minus strand). Cytogenetic location: 14q24.3.
Variant type: single nucleotide variant.
Coding change: c.28C>G on transcript NM_006432.5 (MANE Select); coding-DNA position 28, C replaced by G.
Protein change: p.Leu10Val; replaces leucine 10 with valine.
Molecular consequence: missense variant.
Genome position (GRCh38, 1-based): chr14:74,493,247, G>C on the plus strand (C>G on the coding strand, the complement: NPC2 is on the minus strand). VCF-style: chr14-74493247-G-C. GRCh37 (hg19) VCF-style: chr14-74959950-G-C.
Other names: c.28C>G, p.Leu10Val (NM_001363688.1, NM_001375440.1); short protein forms L10V.
Identifiers: ClinVar variation 4999990 (VCV004999990.1).
Genomic context (GRCh38, chr14:74,493,247, plus strand): 5'-GCTCACCGCAGTCCTTGAACTGCACCGGTTCGGCCTGGGCAGCGGTGCTGAGCGCCAGGA[G>C]CAGGAATGTAGCTGCCAGGAAACGCATCGCGGATAACGAAGTTCCAAGCTCGGGAAAGAA-3'
Protein context (NP_006423.1, residues 1-20): MRFLAATFL[Leu10Val]LALSTAAQAE